The following is an entry in ClinVar:

NM_015136.3(STAB1):c.3364dup (p.Arg1122fs)

Gene: STAB1 (stabilin 1; plus strand). Cytogenetic location: 3p21.1.
Variant type: Duplication.
Coding change: c.3364dup on transcript NM_015136.3 (MANE Select); coding-DNA position 3364, one base duplicated (C; older notation c.3364dupC).
Protein change: p.Arg1122fs; shifts the reading frame from arginine 1122.
Molecular consequence: frameshift variant.
Genome position (GRCh38, 1-based): chr3:52,513,898, C duplicated; the last of 7 consecutive C bases (chr3:52,513,892-52,513,898); duplicating any one gives the same sequence. VCF-style (leftmost placement, unchanged base first): chr3-52513891-G-GC. GRCh37 (hg19) VCF-style: chr3-52547907-G-GC.
Other names: short protein forms R1122fs.
Identifiers: ClinVar variation 4292674 (VCV004292674.1).

ClinVar aggregate classification (germline): Uncertain significance (1 of 4 stars; one submission).

Conditions:
Isolated hyperferritinemia. Also called: Hyperferritinemia. Identifiers: MedGen C3854388, MONDO:0958237, OMIM 620729.

Submission:

3billion
Classification: Uncertain significance for Isolated hyperferritinemia. Last evaluated: 2024-11-25. Review status: criteria provided, single submitter. Criteria: ACMG Guidelines, 2015. Collection method: clinical testing. Allele origin: germline. Affected: yes.
Comment: The variant is observed at an extremely low frequency in the gnomAD v4.1.0 dataset (total allele frequency: 0.012%). Predicted Consequence/Location: Frameshift variant The variant has been reported to be associated with STAB1 related disorder (PMID: 37490907). However, the evidence of pathogenicity is insufficient at this time. Therefore, this variant is classified as VUS according to the recommendation of ACMG/AMP guideline.

Literature cited by the submitters: PubMed 37490907.